The following is an entry in ClinVar:

NC_000011.10:g.(?_66510640)_(66523902_?)del

Gene: BBS1 (Bardet-Biedl syndrome 1; plus strand). Cytogenetic location: 11q13.2.
Variant type: Deletion.
Identifiers: ClinVar variation 833066 (VCV000833066.1).

ClinVar aggregate classification (germline): Pathogenic (1 of 4 stars; one submission).

Conditions:
Bardet-Biedl syndrome (BBS). Identifiers: Orphanet 110, MedGen C0752166, MONDO:0015229.

Submission:

Labcorp Genetics (formerly Invitae), Labcorp
Classification: Pathogenic for Bardet-Biedl syndrome. Last evaluated: 2019-12-19. Review status: criteria provided, single submitter. Criteria: Invitae Variant Classification Sherloc (09022015). Collection method: clinical testing. Allele origin: germline.
Comment: This variant is a gross deletion of the genomic region encompassing exons 1-11 of the BBS1 gene, which includes the initiator codon. The 5' end of this event is unknown as it extends beyond the assayed region for this gene and therefore may encompass additional genes. The 3' boundary is likely confined to intron 11 of the BBS1 gene. This is expected to result in an absent or disrupted protein product. This variant has been observed in an individual affected with Bardet-Biedl syndrome (PMID: 24746959). Loss-of-function variants in BBS1 are known to be pathogenic (PMID: 12118255). For these reasons, this variant has been classified as Pathogenic.

Literature cited by the submitters: PubMed 24746959.